The following is an entry in ClinVar:

NM_013336.4(SEC61A1):c.203T>C (p.Ile68Thr)

Gene: SEC61A1 (SEC61 translocon subunit alpha 1; plus strand). Cytogenetic location: 3q21.3.
Variant type: single nucleotide variant.
Coding change: c.203T>C on transcript NM_013336.4 (MANE Select); coding-DNA position 203, T replaced by C.
Protein change: p.Ile68Thr; replaces isoleucine 68 with threonine.
Molecular consequence: missense variant.
Genome position (GRCh38, 1-based): chr3:128,055,734, T>C. VCF-style: chr3-128055734-T-C. GRCh37 (hg19) VCF-style: chr3-127774577-T-C.
Other names: c.221T>C, p.Ile74Thr (NM_001400328.1); c.44T>C, p.Ile15Thr (NM_001400329.1); short protein forms I15T, I68T, I74T.
Identifiers: ClinVar variation 4278268 (VCV004278268.2).
Genomic context (GRCh38, chr3:128,055,734, plus strand): 5'-TTCCCCTGTTTGGGATCATGTCTTCAGATTCAGCTGACCCTTTCTATTGGATGAGAGTGA[T>C]TCTAGCCTCTAACAGAGGTAGGACTCTGGCTCTGTCTTTTCTCTGTAGAGTGTAGGCTTA-3'
Protein context (NP_037468.1, residues 58-78): SADPFYWMRV[Ile68Thr]LASNRGTLME

ClinVar aggregate classification (germline): Uncertain significance. Review status: criteria provided, multiple submitters, no conflicts (2 of 4 stars). 2 submissions from 2 submitters: Uncertain significance (2). Last evaluated 2026-08-06.

Conditions:
Hyperuricemic nephropathy, familial juvenile type 4 (ADTKD5). Identifiers: MedGen C4310741, MONDO:0014891, OMIM 617056.
Charcot-Marie-Tooth disease axonal type 2T. Identifiers: Orphanet 443950, MedGen C4015635, OMIM 617017, MONDO:0014866.

Submissions (2):

OLLIN Analises Genomicas, OLLIN
Classification: Uncertain significance for Hyperuricemic nephropathy, familial juvenile type 4. Last evaluated: 2026-08-06. Review status: criteria provided, single submitter. Criteria: ACMG Guidelines 2015 PMID 25741868. Collection method: clinical testing. Allele origin: germline.
Comment: This missense variant, located in exon 4 (of 12), has been reported in ClinVar (accession VCV004278268.1) and in gnomAD with an allele frequency of 0.00204%. However, to our knowledge, it has not been reported in the scientific literature. In silico analysis is inconclusive regarding the impact of this variant. This variant is located in a region considered to be a mutational hotspot. According to the currently available evidence, this variant has been classified as uncertain significance (PM1, PM2_P).

Genomic Medicine Center of Excellence, King Faisal Specialist Hospital and Research Centre
Classification: Uncertain significance for Charcot-Marie-Tooth disease axonal type 2T. Last evaluated: 2025-09-10. Review status: criteria provided, single submitter. Criteria: ACMG Guidelines, 2015. Collection method: clinical testing. Allele origin: germline.